The following is an entry in ClinVar:

ClinVar aggregate classification (germline): Benign/Likely benign. Review status: criteria provided, multiple submitters, no conflicts (2 of 4 stars). 6 submissions from 6 submitters: Benign (4); Likely benign (2). Last evaluated 2026-01-28.

Allele frequency attached by ClinVar (database versions not stated): gnomAD exomes 0.00019 and 0.00051; ExAC 0.00057; 1000 Genomes Project 30x 0.00109; 1000 Genomes Project 0.00140; gnomAD 0.00185 and 0.00204; TOPMed 0.00216; ESP Exome Variant Server 0.00266.
gnomAD v4.1: 591 of 1,612,812 alleles (0.037%); highest among the groups gnomAD compares: African/African-American, 0.67%; 3 homozygotes.

Submissions (6):

Labcorp Genetics (formerly Invitae), Labcorp
Classification: Benign. Last evaluated: 2026-01-28. Review status: criteria provided, single submitter. Criteria: Invitae Variant Classification Sherloc (09022015). Collection method: clinical testing. Allele origin: germline.

CeGaT Center for Human Genetics Tuebingen
Classification: Likely benign. Last evaluated: 2025-05-01. Review status: criteria provided, single submitter. Criteria: CeGaT Center For Human Genetics Tuebingen Variant Classification Criteria Version 2. Collection method: clinical testing. Allele origin: germline. Affected: yes. Observed: 1 variant allele.
Comment: ADGRV1: BS2

Blueprint Genetics
Classification: Likely benign. Last evaluated: 2024-07-22. Review status: criteria provided, single submitter. Criteria: ACMG Guidelines, 2015. Collection method: clinical testing. Allele origin: germline.

GeneDx
Classification: Benign. Last evaluated: 2020-10-28. Review status: criteria provided, single submitter. Criteria: GeneDx Variant Classification Process June 2021. Collection method: clinical testing. Allele origin: germline. Affected: yes.
Comment: This variant is associated with the following publications: (PMID: 26969326)

Eurofins Ntd Llc (ga)
Classification: Benign. Last evaluated: 2014-12-18. Review status: criteria provided, single submitter. Criteria: EGL Classification Definitions 2015. Collection method: clinical testing. Allele origin: germline. Observed: 1 variant allele, 1 heterozygote.

Laboratory for Molecular Medicine, Mass General Brigham Personalized Medicine
Classification: Benign. Last evaluated: 2012-04-30. Review status: criteria provided, single submitter. Criteria: LMM Criteria. Collection method: clinical testing. Allele origin: germline. Observed: 2 variant alleles.
Comment: Ser5912Cys in Exon 82 of GPR98: This variant is not expected to have clinical si gnificance because it has been identified in 0.7% (23/3110) of African American chromosomes from a broad population by the NHLBI Exome Sequencing Project (dbSNP rs146120983).

NM_032119.4(ADGRV1):c.17735C>G (p.Ser5912Cys)

Gene: ADGRV1 (adhesion G protein-coupled receptor V1; plus strand). Cytogenetic location: 5q14.3.
Variant type: single nucleotide variant.
Coding change: c.17735C>G on transcript NM_032119.4 (MANE Select); coding-DNA position 17735, C replaced by G.
Protein change: p.Ser5912Cys; replaces serine 5912 with cysteine.
Molecular consequence: missense variant. On other transcripts: non-coding transcript variant (1).
Genome position (GRCh38, 1-based): chr5:90,855,881, C>G. VCF-style: chr5-90855881-C-G. GRCh37 (hg19) VCF-style: chr5-90151698-C-G.
Other names: short protein forms S5912C.
Identifiers: ClinVar variation 198950 (VCV000198950.28), dbSNP rs146120983, ClinGen allele CA203681.
Genomic context (GRCh38, chr5:90,855,881, plus strand): 5'-TGTATGCTGTCTATGCTCGGACTGACAACTTGTCTTCATACAATGAAGCCTTCTTCACTT[C>G]TGGATTTATATGTATCTCAGGTCAGTGACAGTATTTTTGAATCAATGGTTATAAATATTT-3'
Protein context (NP_115495.3, residues 5902-5922): LSSYNEAFFT[Ser5912Cys]GFICISGLCL